The following is an entry in ClinVar:

ClinVar aggregate classification (germline): Uncertain significance (1 of 4 stars; one submission).

Submission:

GeneDx
Classification: Uncertain significance. Last evaluated: 2026-02-13. Review status: criteria provided, single submitter. Criteria: GeneDx Variant Classification Process June 2021. Collection method: clinical testing. Allele origin: germline.
Comment: In-frame deletion of 1 amino acid(s) in a non-repeat region; In silico analysis suggests that this variant does not alter protein structure/function; Has not been previously published as pathogenic or benign to our knowledge

NM_032271.3(TRAF7):c.219GGA[1] (p.Glu74del)

Gene: TRAF7 (TNF receptor associated factor 7; plus strand). Cytogenetic location: 16p13.3.
Variant type: Microsatellite.
Coding change: c.219GGA[1] on transcript NM_032271.3 (MANE Select); one copy of the 3-base unit GGA starting at c.219; the reference has two copies in a row; one copy, 3 bases deleted.
Protein change: p.Glu74del; deletes glutamic acid 74.
Genome position (GRCh38, 1-based): chr16:2,168,159-2,168,161, GGA deleted; deleting any 3 consecutive bases within chr16:2,168,154-2,168,161 gives the same sequence; the position shown is the placement nearest the transcript's 3' end. VCF-style (leftmost placement, unchanged base first): chr16-2168153-CGAG-C. GRCh37 (hg19) VCF-style: chr16-2218154-CGAG-C.
Other names: short protein forms E74del.
Identifiers: ClinVar variation 4527175 (VCV004527175.2).